The following is an entry in ClinVar:

NM_138691.3(TMC1):c.1663T>G (p.Tyr555Asp)

Gene: TMC1 (transmembrane channel like 1; plus strand). Cytogenetic location: 9q21.13.
Variant type: single nucleotide variant.
Coding change: c.1663T>G on transcript NM_138691.3 (MANE Select); coding-DNA position 1663, T replaced by G.
Protein change: p.Tyr555Asp; replaces tyrosine 555 with aspartic acid.
Molecular consequence: missense variant.
Genome position (GRCh38, 1-based): chr9:72,805,478, T>G. VCF-style: chr9-72805478-T-G. GRCh37 (hg19) VCF-style: chr9-75420394-T-G.
Other names: short protein forms Y555D.
Identifiers: ClinVar variation 2442710 (VCV002442710.1), dbSNP rs2489958184, ClinGen allele CA373667708.

ClinVar aggregate classification (germline): Uncertain significance (1 of 4 stars; one submission).

Submission:

GeneDx
Classification: Uncertain significance. Last evaluated: 2022-08-30. Review status: criteria provided, single submitter. Criteria: GeneDx Variant Classification Process June 2021. Collection method: clinical testing. Allele origin: germline. Affected: yes.
Comment: Not observed at significant frequency in large population cohorts (gnomAD); In silico analysis supports that this missense variant has a deleterious effect on protein structure/function; Has not been previously published as pathogenic or benign to our knowledge